The following is an entry in ClinVar:

NM_000767.5(CYP2B6):c.777C>T (p.Ser259=)

Gene: CYP2B6 (cytochrome P450 family 2 subfamily B member 6; plus strand). Cytogenetic location: 19q13.2.
Variant type: single nucleotide variant.
Coding change: c.777C>T on transcript NM_000767.5 (MANE Select); coding-DNA position 777, C replaced by T.
Protein change: p.Ser259=; no amino-acid change (serine 259 retained).
Molecular consequence: synonymous variant.
Genome position (GRCh38, 1-based): chr19:41,009,350, C>T. VCF-style: chr19-41009350-C-T. GRCh37 (hg19) VCF-style: chr19-41515255-C-T.
Identifiers: ClinVar variation 3040512 (VCV003040512.2), dbSNP rs45482602, ClinGen allele CA9455334.

ClinVar aggregate classification (germline): Likely benign (0 of 4 stars; one submission).

Conditions:
CYP2B6-related disorder. Also called: CYP2B6-related condition.

Allele frequency attached by ClinVar (database versions not stated): 1000 Genomes Project 30x 0.00047; 1000 Genomes Project 0.00060.
gnomAD v4.1: 386 of 1,580,934 alleles (0.024%); highest among the groups gnomAD compares: African/African-American, 0.43%; 1 homozygote.

Submission:

PreventionGenetics, part of Exact Sciences
Classification: Likely benign for CYP2B6-related condition. Last evaluated: 2020-02-07. Review status: no assertion criteria provided. Collection method: clinical testing. Allele origin: germline.
Comment: This variant is classified as likely benign based on ACMG/AMP sequence variant interpretation guidelines (Richards et al. 2015 PMID: 25741868, with internal and published modifications).